The following is an entry in ClinVar:

NM_001329943.3(KIAA0586):c.3G>A (p.Met1Ile)

Gene: KIAA0586 (KIAA0586; plus strand). Cytogenetic location: 14q23.1.
Variant type: single nucleotide variant.
Coding change: c.3G>A on transcript NM_001329943.3 (MANE Select); coding-DNA position 3, G replaced by A.
Protein change: p.Met1Ile; changes the start codon (methionine 1).
Molecular consequence: missense variant, initiator codon variant. On other transcripts: intron variant (6).
Genome position (GRCh38, 1-based): chr14:58,428,267, G>A. VCF-style: chr14-58428267-G-A. GRCh37 (hg19) VCF-style: chr14-58894985-G-A.
Other names: c.39G>A, p.Met13Ile (NM_001244189.2); c.3G>A, p.Met1Ile (NM_001329944.2, NM_001329946.2, NM_001329947.2 and 1 more transcripts); c.-38-5G>A (NM_001244190.2); c.-57+630G>A (NM_001244192.2, NM_001244191.2); c.-57+454G>A (NM_001364701.2, NM_001329945.2, NM_001364700.1); short protein forms M13I, M1I.
Identifiers: ClinVar variation 1506553 (VCV001506553.6), dbSNP rs775143643, ClinGen allele CA7205242.

ClinVar aggregate classification (germline): Uncertain significance (1 of 4 stars; one submission).

Conditions:
Short-rib thoracic dysplasia 14 with polydactyly (SRTD14). Identifiers: Orphanet 397715, MedGen C4225286, MONDO:0014688, OMIM 616546.
Joubert syndrome 23 (JBTS23). Identifiers: Orphanet 475, MedGen C4084822, MONDO:0014664, OMIM 616490.

Allele frequency attached by ClinVar (database versions not stated): ExAC 0.00003; gnomAD 0.00001; gnomAD exomes 0.00001; TOPMed 0.00001.

Submission:

Labcorp Genetics (formerly Invitae), Labcorp
Classification: Uncertain significance for Joubert syndrome 23; Short-rib thoracic dysplasia 14 with polydactyly. Last evaluated: 2025-03-25. Review status: criteria provided, single submitter. Criteria: Invitae Variant Classification Sherloc (09022015). Collection method: clinical testing. Allele origin: germline.
Comment: This sequence change replaces methionine, which is neutral and non-polar, with isoleucine, which is neutral and non-polar, at codon 13 of the KIAA0586 protein (p.Met13Ile). This variant is present in population databases (rs775143643, gnomAD 0.002%). This variant has not been reported in the literature in individuals affected with KIAA0586-related conditions. ClinVar contains an entry for this variant (Variation ID: 1506553). An algorithm developed to predict the effect of missense changes on protein structure and function (PolyPhen-2) suggests that this variant is likely to be disruptive. In summary, the available evidence is currently insufficient to determine the role of this variant in disease. Therefore, it has been classified as a Variant of Uncertain Significance.